The following is an entry in ClinVar:

NM_024589.3(ROGDI):c.367G>A (p.Ala123Thr)

Gene: ROGDI (rogdi atypical leucine zipper; minus strand). Cytogenetic location: 16p13.3.
Variant type: single nucleotide variant.
Coding change: c.367G>A on transcript NM_024589.3 (MANE Select); coding-DNA position 367, G replaced by A.
Protein change: p.Ala123Thr; replaces alanine 123 with threonine.
Molecular consequence: missense variant. On other transcripts: non-coding transcript variant (1).
Genome position (GRCh38, 1-based): chr16:4,799,751, C>T on the plus strand (G>A on the coding strand, the complement: ROGDI is on the minus strand). VCF-style: chr16-4799751-C-T. GRCh37 (hg19) VCF-style: chr16-4849752-C-T.
Other names: short protein forms A123T.
Identifiers: ClinVar variation 2037358 (VCV002037358.4), dbSNP rs2505722000, ClinGen allele CA394653499.

ClinVar aggregate classification (germline): Uncertain significance (1 of 4 stars; one submission).

Conditions:
Amelocerebrohypohidrotic syndrome (KTZS). Also called: EPILEPSY AND YELLOW TEETH; EPILEPSY, DEMENTIA, AND AMELOGENESIS IMPERFECTA; KOHLSCHUTTER SYNDROME; Kohlschutter's syndrome. Identifiers: Orphanet 1946, MedGen C0406740, MONDO:0009185, OMIM 226750.

Submission:

Labcorp Genetics (formerly Invitae), Labcorp
Classification: Uncertain significance for Amelocerebrohypohidrotic syndrome. Last evaluated: 2022-04-23. Review status: criteria provided, single submitter. Criteria: Invitae Variant Classification Sherloc (09022015). Collection method: clinical testing. Allele origin: germline.
Comment: This sequence change replaces alanine, which is neutral and non-polar, with threonine, which is neutral and polar, at codon 123 of the ROGDI protein (p.Ala123Thr). This variant is not present in population databases (gnomAD no frequency). This variant has not been reported in the literature in individuals affected with ROGDI-related conditions. Algorithms developed to predict the effect of missense changes on protein structure and function are either unavailable or do not agree on the potential impact of this missense change (SIFT: "Deleterious"; PolyPhen-2: "Probably Damaging"; Align-GVGD: "Class C0"). In summary, the available evidence is currently insufficient to determine the role of this variant in disease. Therefore, it has been classified as a Variant of Uncertain Significance.